The following is an entry in ClinVar:

NM_001375524.1(TRRAP):c.1141G>A (p.Asp381Asn)

Gene: TRRAP (transformation/transcription domain associated protein; plus strand). Cytogenetic location: 7q22.1.
Variant type: single nucleotide variant.
Coding change: c.1141G>A on transcript NM_001375524.1 (MANE Select); coding-DNA position 1141, G replaced by A.
Protein change: p.Asp381Asn; replaces aspartic acid 381 with asparagine.
Molecular consequence: missense variant.
Genome position (GRCh38, 1-based): chr7:98,908,753, G>A. VCF-style: chr7-98908753-G-A. GRCh37 (hg19) VCF-style: chr7-98506376-G-A.
Other names: c.1141G>A, p.Asp381Asn (NM_001244580.2, NM_003496.4); short protein forms D381N.
Identifiers: ClinVar variation 4281998 (VCV004281998.1).

ClinVar aggregate classification (germline): Uncertain significance (1 of 4 stars; one submission).

Submission:

GeneDx
Classification: Uncertain significance. Last evaluated: 2025-04-15. Review status: criteria provided, single submitter. Criteria: GeneDx Variant Classification Process June 2021. Collection method: clinical testing. Allele origin: germline. Affected: yes.
Comment: Not observed at significant frequency in large population cohorts (gnomAD); In silico analysis supports that this missense variant has a deleterious effect on protein structure/function; Has not been previously published as pathogenic or benign to our knowledge